The following is an entry in ClinVar:

NM_018006.5(TRMU):c.874-26_874-5dup

Gene: TRMU (tRNA mitochondrial 2-thiouridylase; plus strand). Cytogenetic location: 22q13.31.
Variant type: Duplication.
Coding change: c.874-26_874-5dup on transcript NM_018006.5 (MANE Select); 26 bases into the intron before coding-DNA position 874 through 5 bases into the intron before coding-DNA position 874, 22 bases duplicated (CCCCACCTTCACATTCCATTCT).
Molecular consequence: intron variant.
Genome position (GRCh38, 1-based): chr22:46,355,418-46,355,439, CCCCACCTTCACATTCCATTCT duplicated; duplicating any 22 consecutive bases within chr22:46,355,417-46,355,439 gives the same sequence; the c. name uses the placement nearest the transcript's 3' end. VCF-style (leftmost placement, unchanged base first): chr22-46355416-G-GTCCCCACCTTCACATTCCATTC. GRCh37 (hg19) VCF-style: chr22-46751313-G-GTCCCCACCTTCACATTCCATTC.
Other names: c.874-26_874-5dup (NM_001282785.2); c.532-26_532-5dup (NM_001282782.2); c.454-26_454-5dup (NM_001282783.2, NM_001282784.2); c.874-26_874-5dup22 (NM_018006.4).
Identifiers: ClinVar variation 596024 (VCV000596024.7), dbSNP rs768539766, ClinGen allele CA10292301.

ClinVar aggregate classification (germline): Uncertain significance. Review status: criteria provided, multiple submitters, no conflicts (2 of 4 stars). 3 submissions from 3 submitters: Uncertain significance (3). Last evaluated 2025-09-22.

Conditions:
TRMU-related disorder. Also called: TRMU-related condition.

Submissions (3):

GeneDx
Classification: Uncertain significance. Last evaluated: 2025-09-22. Review status: criteria provided, single submitter. Criteria: GeneDx Variant Classification Process June 2021. Collection method: clinical testing. Allele origin: germline. Affected: yes.
Comment: Not observed at significant frequency in large population cohorts (gnomAD); In silico analysis suggests that this variant does not alter splicing; Has not been previously published as pathogenic or benign to our knowledge

PreventionGenetics, part of Exact Sciences
Classification: Uncertain significance for TRMU-related condition. Last evaluated: 2025-04-23. Review status: criteria provided, single submitter. Criteria: ACMG Guidelines, 2015. Collection method: clinical testing. Allele origin: germline.
Comment: The TRMU c.874-26_874-5dup22 variant is predicted to result in an intronic duplication. To our knowledge, this variant has not been reported in the literature. This variant is reported in 0.0081% of alleles in individuals of European (Non-Finnish) descent in gnomAD. Although we suspect that this variant may be benign, at this time, the clinical significance of this variant is uncertain due to the absence of conclusive functional and genetic evidence.

Eurofins Ntd Llc (ga)
Classification: Uncertain significance. Last evaluated: 2018-02-06. Review status: criteria provided, single submitter. Criteria: EGL Classification Definitions 2015. Collection method: clinical testing. Allele origin: germline. Observed: 1 variant allele, 1 heterozygote.